The following is an entry in ClinVar:

NM_020207.7(ERCC6L2):c.47A>G (p.Asp16Gly)

Gene: ERCC6L2 (ERCC excision repair 6 like 2; plus strand). Cytogenetic location: 9q22.32.
Variant type: single nucleotide variant.
Coding change: c.47A>G on transcript NM_020207.7 (MANE Select); coding-DNA position 47, A replaced by G.
Protein change: p.Asp16Gly; replaces aspartic acid 16 with glycine.
Molecular consequence: missense variant. On other transcripts: non-coding transcript variant (1).
Genome position (GRCh38, 1-based): chr9:95,880,869, A>G. VCF-style: chr9-95880869-A-G. GRCh37 (hg19) VCF-style: chr9-98643151-A-G.
Other names: c.47A>G, p.Asp16Gly (NM_001010895.4, NM_001375291.1, NM_001375292.1 and 2 more transcripts); short protein forms D16G.
Identifiers: ClinVar variation 3663719 (VCV003663719.3).

ClinVar aggregate classification (germline): Uncertain significance. Review status: criteria provided, multiple submitters, no conflicts (2 of 4 stars). 2 submissions from 2 submitters: Uncertain significance (2). Last evaluated 2025-04-20.

Conditions:
Inborn genetic diseases. Identifiers: MedGen C0950123, MeSH D030342.

gnomAD v4.1: 2 of 1,599,696 alleles (0.00013%); highest among the groups gnomAD compares: Non-Finnish European, 0.000085%; no homozygotes.

Submissions (2):

Ambry Genetics
Classification: Uncertain significance for Inborn genetic diseases. Last evaluated: 2025-04-20. Review status: criteria provided, single submitter. Criteria: Ambry Variant Classification Scheme 2023. Collection method: clinical testing. Allele origin: germline.
Comment: The p.D16G variant (also known as c.47A>G) is located in coding exon 2 of the ERCC6L2 gene. The aspartic acid at codon 16 is replaced by glycine, an amino acid with similar properties. This change occurs in the first base pair of coding exon 2. This amino acid position is conserved. In addition, the in silico prediction for this alteration is inconclusive. Based on the available evidence, the clinical significance of this variant remains unclear.

Labcorp Genetics (formerly Invitae), Labcorp
Classification: Uncertain significance. Last evaluated: 2024-08-28. Review status: criteria provided, single submitter. Criteria: Invitae Variant Classification Sherloc (09022015). Collection method: clinical testing. Allele origin: germline.
Comment: This sequence change replaces aspartic acid, which is acidic and polar, with glycine, which is neutral and non-polar, at codon 27 of the ERCC6L2 protein (p.Asp27Gly). This variant is not present in population databases (gnomAD no frequency). This variant has not been reported in the literature in individuals affected with ERCC6L2-related conditions. Experimental studies and prediction algorithms are not available or were not evaluated, and the functional significance of this variant is currently unknown. In summary, the available evidence is currently insufficient to determine the role of this variant in disease. Therefore, it has been classified as a Variant of Uncertain Significance.